The following is an entry in ClinVar:

NM_001999.4(FBN2):c.3758G>A (p.Cys1253Tyr)

Gene: FBN2 (fibrillin 2; minus strand). Cytogenetic location: 5q23.3.
Variant type: single nucleotide variant.
Coding change: c.3758G>A on transcript NM_001999.4 (MANE Select); coding-DNA position 3758, G replaced by A.
Protein change: p.Cys1253Tyr; replaces cysteine 1253 with tyrosine.
Molecular consequence: missense variant.
Genome position (GRCh38, 1-based): chr5:128,335,544, C>T on the plus strand (G>A on the coding strand, the complement: FBN2 is on the minus strand). VCF-style: chr5-128335544-C-T. GRCh37 (hg19) VCF-style: chr5-127671236-C-T.
Other names: C1252Y; short protein forms C1253Y.
Identifiers: ClinVar variation 519 (VCV000000519.8), dbSNP rs137852825, ClinGen allele CA281512.

ClinVar aggregate classification (germline): Likely pathogenic. Review status: criteria provided, single submitter (1 of 4 stars). 2 submissions from 2 submitters: Likely pathogenic (1). 1 of the submissions does not count toward it. Last evaluated 2022-07-12.

Conditions:
Congenital contractural arachnodactyly (CCA). Also called: BEALS SYNDROME; Arthrogryposis, distal, type 9; Beals-Hecht syndrome. Identifiers: Orphanet 115, MedGen C0220668, MONDO:0007363, OMIM 121050.

Submissions (2):

Labcorp Genetics (formerly Invitae), Labcorp
Classification: Likely pathogenic for Congenital contractural arachnodactyly. Last evaluated: 2022-07-12. Review status: criteria provided, single submitter. Criteria: Invitae Variant Classification Sherloc (09022015). Collection method: clinical testing. Allele origin: germline.
Comment: This sequence change replaces cysteine, which is neutral and slightly polar, with tyrosine, which is neutral and polar, at codon 1253 of the FBN2 protein (p.Cys1253Tyr). In summary, the currently available evidence indicates that the variant is pathogenic, but additional data are needed to prove that conclusively. Therefore, this variant has been classified as Likely Pathogenic. This variant affects a cysteine residue located within an epidermal growth factor (EGF)–like domain of the FBN2 protein. Cysteine residues in these domains are involved in the formation of disulfide bridges critical for protein structure and stability (PMID: 3495735, 4750422, 16677079). In addition, missense substitutions within the FBN2 EGF-like domains affecting cysteine residues are overrepresented in patients with congenital contractural arachnodactyly (PMID: 18767143). Advanced modeling of protein sequence and biophysical properties (such as structural, functional, and spatial information, amino acid conservation, physicochemical variation, residue mobility, and thermodynamic stability) performed at Invitae indicates that this missense variant is expected to disrupt FBN2 protein function. ClinVar contains an entry for this variant (Variation ID: 519). This variant is also known as p.Cys1252Tyr. This missense change has been observed in individual(s) with congenital contractural arachnodactyly (PMID: 7493032). This variant is not present in population databases (gnomAD no frequency).

OMIM
Classification: Pathogenic for CONTRACTURAL ARACHNODACTYLY, CONGENITAL. Last evaluated: 1995-12-01. Review status: no assertion criteria provided. Collection method: literature only. Allele origin: germline. Not counted in ClinVar's aggregate classification.

Literature cited by the submitters: PubMed 3495735 (cited by Labcorp Genetics (formerly Invitae), Labcorp); PubMed 4750422 (cited by Labcorp Genetics (formerly Invitae), Labcorp); PubMed 16677079 (cited by Labcorp Genetics (formerly Invitae), Labcorp); PubMed 18767143 (cited by Labcorp Genetics (formerly Invitae), Labcorp); PubMed 7493032 (cited by Labcorp Genetics (formerly Invitae), Labcorp and OMIM); Putnam, E. A., Milewicz, D. M. A mutation in the FBN2 gene in dermal fibroblasts from a congenital contractural arachnodactyly patient. (Abstract) Am. J. Hum. Genet. 57: A225, 1995. (cited by OMIM).